The following is an entry in ClinVar:

NM_001308093.3(GATA4):c.526GCC[5] (p.Ala179_Ser180insAla)

Gene: GATA4 (GATA binding protein 4). Cytogenetic location: 8p23.1.
Variant type: Microsatellite.
Coding change: c.526GCC[5] on transcript NM_001308093.3 (MANE Select); five copies in a row of the 3-base unit GCC starting at c.526.
Protein change: p.Ala179_Ser180insAla.
Molecular consequence: inframe insertion. On other transcripts: intron variant (3).
Genome position: GRCh38 VCF-style: chr8-11708837-A-AGCC. GRCh37 (hg19) VCF-style: chr8-11566346-A-AGCC.
Other names: c.526GCC[5], p.Ala179_Ser180insAla (NM_002052.5); c.-6+8060GCC[5] (NM_001308094.2); c.-3+824GCC[5] (NM_001374274.1); c.-3+4534GCC[5] (NM_001374273.1).
Identifiers: ClinVar variation 1980387 (VCV001980387.4), dbSNP rs766802125, ClinGen allele CA918201046.

ClinVar aggregate classification (germline): Uncertain significance (1 of 4 stars; one submission).

Conditions:
Atrioventricular septal defect 4 (AVSD4). Identifiers: MedGen C3280781, MONDO:0013747, OMIM 614430.

Submission:

Labcorp Genetics (formerly Invitae), Labcorp
Classification: Uncertain significance for Atrioventricular septal defect 4. Last evaluated: 2022-09-20. Review status: criteria provided, single submitter. Criteria: Invitae Variant Classification Sherloc (09022015). Collection method: clinical testing. Allele origin: germline.
Comment: This variant, c.535_537dup, results in the insertion of 1 amino acid(s) of the GATA4 protein (p.Ala179dup), but otherwise preserves the integrity of the reading frame. In summary, the available evidence is currently insufficient to determine the role of this variant in disease. Therefore, it has been classified as a Variant of Uncertain Significance. This variant has not been reported in the literature in individuals affected with GATA4-related conditions. This variant is not present in population databases (gnomAD no frequency).